The following is an entry in ClinVar:

ClinVar aggregate classification (germline): Uncertain significance (1 of 4 stars; one submission).

Conditions:
Hereditary cancer-predisposing syndrome. Also called: Neoplastic Syndromes, Hereditary; Tumor predisposition; Hereditary Cancer Syndrome; Hereditary neoplastic syndrome. Identifiers: Orphanet 140162, MedGen C0027672, MeSH D009386, MONDO:0015356.

Submission:

Ambry Genetics
Classification: Uncertain significance for Hereditary cancer-predisposing syndrome. Last evaluated: 2026-01-02. Review status: criteria provided, single submitter. Criteria: Ambry Variant Classification Scheme 2023. Collection method: clinical testing. Allele origin: germline.
Comment: The c.4001+3A>T intronic variant results from an A to T substitution 3 nucleotides after coding exon 9 in the MSH6 gene. This nucleotide position is poorly conserved in available vertebrate species. This variant has been identified in a proband(s) whose Lynch syndrome-associated tumor demonstrated loss of MSH6 expression by immunohistochemistry (Ambry internal data). In silico splice site analysis predicts that this alteration will weaken the native splice donor site; however, direct evidence is insufficient at this time (Ambry internal data). Based on the available evidence, the clinical significance of this variant remains unclear.

NM_000179.3(MSH6):c.4001+3A>T

Gene: MSH6 (mutS homolog 6; plus strand). Cytogenetic location: 2p16.3.
Variant type: single nucleotide variant.
Coding change: c.4001+3A>T on transcript NM_000179.3 (MANE Select); 3 bases into the intron after coding-DNA position 4001, A replaced by T.
Molecular consequence: intron variant.
Genome position (GRCh38, 1-based): chr2:47,806,654, A>T. VCF-style: chr2-47806654-A-T. GRCh37 (hg19) VCF-style: chr2-48033793-A-T.
Other names: c.4001+3A>T (NM_001406809.1, NM_001406796.1, NM_001406808.1); c.3095+3A>T (NM_001406811.1, NM_001406814.1, NM_001281493.2 and 6 more transcripts); c.3704+3A>T (NM_001406805.1, NM_001406822.1, NM_001406827.1 and 10 more transcripts); c.4097+3A>T (NM_001406795.1); c.3898-125A>T (NM_001406802.1); c.4007+3A>T (NM_001406813.1); c.3476+3A>T (NM_001406807.1, NM_001406799.1, NM_001406806.1); c.*22+3A>T (NM_001406800.1); and 9 more.
Identifiers: ClinVar variation 4843696 (VCV004843696.1).